The following is an entry in ClinVar:

ClinVar aggregate classification (germline): Uncertain significance. Review status: criteria provided, single submitter (1 of 4 stars). 2 submissions from 2 submitters: Uncertain significance (1). 1 of the submissions does not count toward it. Last evaluated 2024-10-08.

Conditions:
Pelizaeus-Merzbacher disease. Also called: Pelizeaus-Merzbacher spectrum disorder; LEUKODYSTROPHY, HYPOMYELINATING, 1; Sudanophilic leukodystrophy; Pelizaeus-Merzbacher spectrum disorder; Pelizaeus-Merzbacher Disease (PMD). Identifiers: Orphanet 702, MedGen C0205711, MONDO:0010714, OMIM 312080, HP:0003269.
Hereditary spastic paraplegia 2 (SPG2). Also called: SPASTIC PARAPLEGIA 2, X-LINKED; Spastic Paraplegia 2 (SPG2). Identifiers: Orphanet 99015, MedGen C0751604, MONDO:0010733, OMIM 312920.

Submissions (2):

Labcorp Genetics (formerly Invitae), Labcorp
Classification: Uncertain significance for Hereditary spastic paraplegia 2. Last evaluated: 2024-10-08. Review status: criteria provided, single submitter. Criteria: Invitae Variant Classification Sherloc (09022015). Collection method: clinical testing. Allele origin: germline.
Comment: This sequence change replaces leucine, which is neutral and non-polar, with proline, which is neutral and non-polar, at codon 224 of the PLP1 protein (p.Leu224Pro). This variant is not present in population databases (gnomAD no frequency). This missense change has been observed in individual(s) with Pelizaeus-Merzbacher diseae (PMID: 1384324). This variant is also known as p.Leu223Pro. ClinVar contains an entry for this variant (Variation ID: 11080). Invitae Evidence Modeling of protein sequence and biophysical properties (such as structural, functional, and spatial information, amino acid conservation, physicochemical variation, residue mobility, and thermodynamic stability) indicates that this missense variant is expected to disrupt PLP1 protein function with a positive predictive value of 80%. Experimental studies have shown that this missense change affects PLP1 function (PMID: 22016529). This variant disrupts the p.Leu224 amino acid residue in PLP1. Other variant(s) that disrupt this residue have been determined to be pathogenic (PMID: 23347225, 26786043; internal data). This suggests that this residue is clinically significant, and that variants that disrupt this residue are likely to be disease-causing. In summary, the available evidence is currently insufficient to determine the role of this variant in disease. Therefore, it has been classified as a Variant of Uncertain Significance.

OMIM
Classification: Pathogenic for PELIZAEUS-MERZBACHER DISEASE. Last evaluated: 1992-10-01. Review status: no assertion criteria provided. Collection method: literature only. Allele origin: germline. Not counted in ClinVar's aggregate classification.

Literature cited by the submitters: PubMed 1384324 (cited by Labcorp Genetics (formerly Invitae), Labcorp and OMIM); PubMed 22016529 (cited by Labcorp Genetics (formerly Invitae), Labcorp); PubMed 23347225 (cited by Labcorp Genetics (formerly Invitae), Labcorp); PubMed 26786043 (cited by Labcorp Genetics (formerly Invitae), Labcorp).

NM_000533.5(PLP1):c.671T>C (p.Leu224Pro)

Genes: PLP1 (proteolipid protein 1; plus strand), RAB9B (RAB9B, member RAS oncogene family; minus strand). Cytogenetic location: Xq22.2.
Variant type: single nucleotide variant.
Coding change: c.671T>C on transcript NM_000533.5 (MANE Select); coding-DNA position 671, T replaced by C.
Protein change: p.Leu224Pro; replaces leucine 224 with proline.
Molecular consequence: missense variant.
Genome position (GRCh38, 1-based): chrX:103,788,485, T>C. VCF-style: chrX-103788485-T-C. GRCh37 (hg19) VCF-style: chrX-103043414-T-C.
Other names: L223P; c.671T>C, p.Leu224Pro (NM_001128834.3); c.506T>C, p.Leu169Pro (NM_001305004.1); c.566T>C, p.Leu189Pro (NM_199478.3); short protein forms L189P, L224P, L169P.
Identifiers: ClinVar variation 11080 (VCV000011080.4), dbSNP rs132630283, ClinGen allele CA255690.
Genomic context (GRCh38, chrX:103,788,485, plus strand): 5'-TGTCTTACTTAGGTGTTCTCCCATGGAATGCTTTCCCTGGCAAGGTTTGTGGCTCCAACC[T>C]TCTGTCCATCTGCAAAACAGCTGAGGTGAGTGGGTTATTTGGGTTATTTTACAAGGGAGT-3'
Protein context (NP_000524.3, residues 214-234): AFPGKVCGSN[Leu224Pro]LSICKTAEFQ